The following is an entry in ClinVar:

ClinVar aggregate classification (germline): Benign/Likely benign. Review status: criteria provided, multiple submitters, no conflicts (2 of 4 stars). 5 submissions from 5 submitters: Benign (1); Likely benign (4). Last evaluated 2026-05-11.

Conditions:
Cardiovascular phenotype. Identifiers: MedGen CN230736.
Dilated cardiomyopathy 1J (CMD1J). Also called: CARDIOMYOPATHY, DILATED, WITH SENSORINEURAL HEARING LOSS, AUTOSOMAL DOMINANT. Identifiers: Orphanet 217622, MedGen C1854368, MONDO:0011541, OMIM 605362.

Allele frequency attached by ClinVar (database versions not stated): ExAC 0.00005; gnomAD exomes 0.00005 and 0.00023; gnomAD 0.00009; TOPMed 0.00011; ESP Exome Variant Server 0.00015.
gnomAD v4.1: 337 of 1,613,534 alleles (0.021%); highest among the groups gnomAD compares: Non-Finnish European, 0.028%; no homozygotes.

Submissions (5):

Women's Health and Genetics/Laboratory Corporation of America, LabCorp
Classification: Benign. Last evaluated: 2026-05-11. Review status: criteria provided, single submitter. Criteria: LabCorp Variant Classification Summary - May 2015. Collection method: clinical testing. Allele origin: germline.

Labcorp Genetics (formerly Invitae), Labcorp
Classification: Likely benign for Dilated cardiomyopathy 1J. Last evaluated: 2026-01-10. Review status: criteria provided, single submitter. Criteria: Invitae Variant Classification Sherloc (09022015). Collection method: clinical testing. Allele origin: germline.

Blueprint Genetics
Classification: Likely benign. Last evaluated: 2024-04-29. Review status: criteria provided, single submitter. Criteria: ACMG Guidelines, 2015. Collection method: clinical testing. Allele origin: germline.

Ambry Genetics
Classification: Likely benign for Cardiovascular phenotype. Last evaluated: 2016-07-21. Review status: criteria provided, single submitter. Criteria: Ambry Variant Classification Scheme 2023. Collection method: clinical testing. Allele origin: germline.

Laboratory for Molecular Medicine, Mass General Brigham Personalized Medicine
Classification: Likely benign. Last evaluated: 2015-05-17. Review status: criteria provided, single submitter. Criteria: LMM Criteria. Collection method: clinical testing. Allele origin: germline. Observed: 1 variant allele.
Comment: Asp3Asp in exon 2 of EYA4: This variant is not expected to have clinical signifi cance because it does not alter an amino acid residue, is not located within the splice consensus sequence, and has been identified in 5/66650 European chromos omes by the Exome Aggregation Consortium (ExAC; dbSNP rs374322196).

NM_004100.5(EYA4):c.9C>T (p.Asp3=)

Gene: EYA4 (EYA transcriptional coactivator and phosphatase 4; plus strand). Cytogenetic location: 6q23.2.
Variant type: single nucleotide variant.
Coding change: c.9C>T on transcript NM_004100.5 (MANE Select); coding-DNA position 9, C replaced by T.
Protein change: p.Asp3=; no amino-acid change (aspartic acid 3 retained).
Molecular consequence: synonymous variant.
Genome position (GRCh38, 1-based): chr6:133,274,789, C>T. VCF-style: chr6-133274789-C-T. GRCh37 (hg19) VCF-style: chr6-133595927-C-T.
Other names: c.9C>T, p.Asp3= (NM_001301012.2, NM_001301013.2, NM_001370458.1 and 3 more transcripts).
Identifiers: ClinVar variation 227371 (VCV000227371.18), dbSNP rs374322196, ClinGen allele CA4007910.
Genomic context (GRCh38, chr6:133,274,789, plus strand): 5'-CTTGAAGGAAGCTGCTTCTACTTGGGAGTGGCAGGAGAAGTGAGAAAACCACATGGAAGA[C>T]TCCCAGGATTTAAATGAACAATCAGTAAGTCTTCATTCTCAGTTTTGCTGAAAAAAGTTG-3'
Protein context (NP_004091.3, residues 1-13): ME[Asp3=]SQDLNEQSVK